The following is an entry in ClinVar:

ClinVar aggregate classification (germline): Likely benign (1 of 4 stars; one submission).

Allele frequency attached by ClinVar (database versions not stated): gnomAD exomes 0.00002; gnomAD 0.00003; TOPMed 0.00003; ExAC 0.00006.
gnomAD v4.1: 40 of 1,614,036 alleles (0.0025%); highest among the groups gnomAD compares: South Asian, 0.019%; no homozygotes.

Submission:

CeGaT Center for Human Genetics Tuebingen
Classification: Likely benign. Last evaluated: 2022-11-01. Review status: criteria provided, single submitter. Criteria: CeGaT Center For Human Genetics Tuebingen Variant Classification Criteria Version 2. Collection method: clinical testing. Allele origin: germline. Affected: yes. Observed: 1 variant allele.
Comment: ZNF462: BP4, BP7

NM_021224.6(ZNF462):c.144C>T (p.Ser48=)

Gene: ZNF462 (zinc finger protein 462; plus strand). Cytogenetic location: 9q31.2.
Variant type: single nucleotide variant.
Coding change: c.144C>T on transcript NM_021224.6 (MANE Select); coding-DNA position 144, C replaced by T.
Protein change: p.Ser48=; no amino-acid change (serine 48 retained).
Molecular consequence: synonymous variant.
Genome position (GRCh38, 1-based): chr9:106,923,527, C>T. VCF-style: chr9-106923527-C-T. GRCh37 (hg19) VCF-style: chr9-109685808-C-T.
Other names: c.144C>T, p.Ser48= (NM_001347997.2).
Identifiers: ClinVar variation 2659361 (VCV002659361.24), dbSNP rs745655320, ClinGen allele CA5171088.